The following is an entry in ClinVar:

ClinVar aggregate classification (germline): Uncertain significance (1 of 4 stars; one submission).

Conditions:
Hereditary spastic paraplegia 7 (SPG7). Also called: SPASTIC PARAPLEGIA 7, AUTOSOMAL RECESSIVE, WITH OR WITHOUT CEREBELLAR ATAXIA; SPG7-related neurologic disorder; Spastic paraplegia 7; Hereditary spastic paraplegia Paraplegin type; Autosomal recessive spastic paraplegia type 7. Identifiers: Orphanet 99013, MedGen C1846564, MONDO:0011803, OMIM 607259.

Submission:

Labcorp Genetics (formerly Invitae), Labcorp
Classification: Uncertain significance for Hereditary spastic paraplegia 7. Last evaluated: 2025-10-02. Review status: criteria provided, single submitter. Criteria: Invitae Variant Classification Sherloc (09022015). Collection method: clinical testing. Allele origin: germline.
Comment: This sequence change replaces alanine, which is neutral and non-polar, with valine, which is neutral and non-polar, at codon 731 of the SPG7 protein (p.Ala731Val). This variant is not present in population databases (gnomAD no frequency). This variant has not been reported in the literature in individuals affected with SPG7-related conditions. ClinVar contains an entry for this variant (Variation ID: 3604326). Invitae Evidence Modeling of protein sequence and biophysical properties (such as structural, functional, and spatial information, amino acid conservation, physicochemical variation, residue mobility, and thermodynamic stability) indicates that this missense variant is not expected to disrupt SPG7 protein function with a negative predictive value of 80%. In summary, the available evidence is currently insufficient to determine the role of this variant in disease. Therefore, it has been classified as a Variant of Uncertain Significance.

NM_003119.4(SPG7):c.2192C>T (p.Ala731Val)

Gene: SPG7 (SPG7 matrix AAA peptidase subunit, paraplegin; plus strand). Cytogenetic location: 16q24.3.
Variant type: single nucleotide variant.
Coding change: c.2192C>T on transcript NM_003119.4 (MANE Select); coding-DNA position 2192, C replaced by T.
Protein change: p.Ala731Val; replaces alanine 731 with valine.
Molecular consequence: missense variant. On other transcripts: synonymous variant (1).
Genome position (GRCh38, 1-based): chr16:89,556,897, C>T. VCF-style: chr16-89556897-C-T. GRCh37 (hg19) VCF-style: chr16-89623305-C-T.
Other names: c.2400C>T, p.Arg800= (NM_001363850.1); short protein forms A731V.
Identifiers: ClinVar variation 3604326 (VCV003604326.2).